The following is an entry in ClinVar:

ClinVar aggregate classification (germline): Uncertain significance (1 of 4 stars; one submission).

Conditions:
Cardiovascular phenotype. Identifiers: MedGen CN230736.

gnomAD v4.1: 3 of 1,597,724 alleles (0.00019%); highest among the groups gnomAD compares: Middle Eastern, 0.017%; no homozygotes.

Submission:

Ambry Genetics
Classification: Uncertain significance for Cardiovascular phenotype. Last evaluated: 2023-10-10. Review status: criteria provided, single submitter. Criteria: Ambry Variant Classification Scheme 2023. Collection method: clinical testing. Allele origin: germline.
Comment: The p.M333T variant (also known as c.998T>C), located in coding exon 12 of the TECRL gene, results from a T to C substitution at nucleotide position 998. The methionine at codon 333 is replaced by threonine, an amino acid with similar properties. This amino acid position is conserved. In addition, the in silico prediction for this alteration is inconclusive. Since supporting evidence is limited at this time, the clinical significance of this alteration remains unclear.

NM_001010874.5(TECRL):c.998T>C (p.Met333Thr)

Gene: TECRL (trans-2,3-enoyl-CoA reductase like; minus strand). Cytogenetic location: 4q13.1.
Variant type: single nucleotide variant.
Coding change: c.998T>C on transcript NM_001010874.5 (MANE Select); coding-DNA position 998, T replaced by C.
Protein change: p.Met333Thr; replaces methionine 333 with threonine.
Molecular consequence: missense variant. On other transcripts: intron variant (1).
Genome position (GRCh38, 1-based): chr4:64,280,166, A>G on the plus strand (T>C on the coding strand, the complement: TECRL is on the minus strand). VCF-style: chr4-64280166-A-G. GRCh37 (hg19) VCF-style: chr4-65145884-A-G.
Other names: c.964+875T>C (NM_001363796.1); short protein forms M333T.
Identifiers: ClinVar variation 3232355 (VCV003232355.1), dbSNP rs780720827, ClinGen allele CA357042859.
Genomic context (GRCh38, chr4:64,280,166, plus strand): 5'-TGAATATATGAATTGAATTTTCTCAGATAAATCTTATGTTTCTTTTGTGCCCACAAAGAC[A>G]TCTGGATACTCATCAGAAGTGTAAAAATTCCAACTAGAAGAAAAAAGAAATAATTATTAT-3'
Protein context (NP_001010874.2, residues 323-343): GIFTLLMSIQ[Met333Thr]SLWAQKKHKI